The following continues an entry in ClinVar:

NM_001042545.2(LTBP4):c.2053G>A (p.Asp685Asn)

Gene: LTBP4. ClinVar aggregate classification (germline): Benign/Likely benign. Benign (5); Likely benign (3).

Submissions 29 to 49 of 49:

Dr. Peter K. Rogan Lab, Western University
No classification provided (evidence only). Condition: Ovarian serous cystadenocarcinoma. Review status: no classification provided. Collection method: in vitro. Allele origin: not applicable. Functional consequence: skipped exon. Not counted in ClinVar's aggregate classification.

Dr. Peter K. Rogan Lab, Western University
No classification provided (evidence only). Condition: Ovarian serous cystadenocarcinoma. Review status: no classification provided. Collection method: in vitro. Allele origin: not applicable. Functional consequence: skipped exon. Not counted in ClinVar's aggregate classification.

Dr. Peter K. Rogan Lab, Western University
No classification provided (evidence only). Condition: Ovarian serous cystadenocarcinoma. Review status: no classification provided. Collection method: in vitro. Allele origin: not applicable. Functional consequence: skipped exon, retained intron. Not counted in ClinVar's aggregate classification.

Dr. Peter K. Rogan Lab, Western University
No classification provided (evidence only). Condition: Gastric cancer. Review status: no classification provided. Collection method: in vitro. Allele origin: not applicable. Functional consequence: skipped exon, retained intron. Not counted in ClinVar's aggregate classification.

Dr. Peter K. Rogan Lab, Western University
No classification provided (evidence only). Condition: Gastric cancer. Review status: no classification provided. Collection method: in vitro. Allele origin: not applicable. Functional consequence: skipped exon. Not counted in ClinVar's aggregate classification.

Dr. Peter K. Rogan Lab, Western University
No classification provided (evidence only). Condition: Gastric cancer. Review status: no classification provided. Collection method: in vitro. Allele origin: not applicable. Functional consequence: skipped exon, retained intron. Not counted in ClinVar's aggregate classification.

Dr. Peter K. Rogan Lab, Western University
No classification provided (evidence only). Condition: Gastric cancer. Review status: no classification provided. Collection method: in vitro. Allele origin: not applicable. Functional consequence: skipped exon. Not counted in ClinVar's aggregate classification.

Dr. Peter K. Rogan Lab, Western University
No classification provided (evidence only). Condition: Uveal melanoma. Review status: no classification provided. Collection method: in vitro. Allele origin: not applicable. Functional consequence: skipped exon. Not counted in ClinVar's aggregate classification.

Dr. Peter K. Rogan Lab, Western University
No classification provided (evidence only). Condition: Malignant tumor of esophagus. Review status: no classification provided. Collection method: in vitro. Allele origin: not applicable. Functional consequence: skipped exon. Not counted in ClinVar's aggregate classification.

Dr. Peter K. Rogan Lab, Western University
No classification provided (evidence only). Condition: Malignant tumor of esophagus. Review status: no classification provided. Collection method: in vitro. Allele origin: not applicable. Functional consequence: skipped exon. Not counted in ClinVar's aggregate classification.

Dr. Peter K. Rogan Lab, Western University
No classification provided (evidence only). Condition: Malignant tumor of esophagus. Review status: no classification provided. Collection method: in vitro. Allele origin: not applicable. Functional consequence: skipped exon, retained intron. Not counted in ClinVar's aggregate classification.

Dr. Peter K. Rogan Lab, Western University
No classification provided (evidence only). Condition: Malignant tumor of esophagus. Review status: no classification provided. Collection method: in vitro. Allele origin: not applicable. Functional consequence: skipped exon, retained intron. Not counted in ClinVar's aggregate classification.

Dr. Peter K. Rogan Lab, Western University
No classification provided (evidence only). Condition: Clear cell carcinoma of kidney. Review status: no classification provided. Collection method: in vitro. Allele origin: not applicable. Functional consequence: skipped exon. Not counted in ClinVar's aggregate classification.

Dr. Peter K. Rogan Lab, Western University
No classification provided (evidence only). Condition: Clear cell carcinoma of kidney. Review status: no classification provided. Collection method: in vitro. Allele origin: not applicable. Functional consequence: skipped exon. Not counted in ClinVar's aggregate classification.

Dr. Peter K. Rogan Lab, Western University
No classification provided (evidence only). Condition: Clear cell carcinoma of kidney. Review status: no classification provided. Collection method: in vitro. Allele origin: not applicable. Functional consequence: skipped exon. Not counted in ClinVar's aggregate classification.

Dr. Peter K. Rogan Lab, Western University
No classification provided (evidence only). Condition: Clear cell carcinoma of kidney. Review status: no classification provided. Collection method: in vitro. Allele origin: not applicable. Functional consequence: skipped exon. Not counted in ClinVar's aggregate classification.

Dr. Peter K. Rogan Lab, Western University
No classification provided (evidence only). Condition: Clear cell carcinoma of kidney. Review status: no classification provided. Collection method: in vitro. Allele origin: not applicable. Functional consequence: skipped exon. Not counted in ClinVar's aggregate classification.

Dr. Peter K. Rogan Lab, Western University
No classification provided (evidence only). Condition: Lung cancer. Review status: no classification provided. Collection method: in vitro. Allele origin: not applicable. Functional consequence: skipped exon. Not counted in ClinVar's aggregate classification.

Dr. Peter K. Rogan Lab, Western University
No classification provided (evidence only). Condition: Lung cancer. Review status: no classification provided. Collection method: in vitro. Allele origin: not applicable. Functional consequence: skipped exon. Not counted in ClinVar's aggregate classification.

Dr. Peter K. Rogan Lab, Western University
No classification provided (evidence only). Condition: Lung cancer. Review status: no classification provided. Collection method: in vitro. Allele origin: not applicable. Functional consequence: skipped exon. Not counted in ClinVar's aggregate classification.

Dr. Peter K. Rogan Lab, Western University
No classification provided (evidence only). Condition: Lung cancer. Review status: no classification provided. Collection method: in vitro. Allele origin: not applicable. Functional consequence: skipped exon. Not counted in ClinVar's aggregate classification.